The following is an entry in ClinVar:

NM_003190.5(TAPBP):c.799G>A (p.Gly267Ser)

Gene: TAPBP (TAP binding protein; minus strand). Cytogenetic location: 6p21.32.
Variant type: single nucleotide variant.
Coding change: c.799G>A on transcript NM_003190.5 (MANE Select); coding-DNA position 799, G replaced by A.
Protein change: p.Gly267Ser; replaces glycine 267 with serine.
Molecular consequence: missense variant.
Genome position (GRCh38, 1-based): chr6:33,305,058, C>T on the plus strand (G>A on the coding strand, the complement: TAPBP is on the minus strand). VCF-style: chr6-33305058-C-T. GRCh37 (hg19) VCF-style: chr6-33272835-C-T.
Other names: c.799G>A, p.Gly267Ser (NM_172208.3); c.538G>A, p.Gly180Ser (NM_172209.3); short protein forms G180S, G267S.
Identifiers: ClinVar variation 1053048 (VCV001053048.9), dbSNP rs1248082629, ClinGen allele CA363690668.
Genomic context (GRCh38, chr6:33,305,058, plus strand): 5'-CAAGCTCCAGGGTGACCTGTCCTTGCAGGTATGGCAGGTGTATGGTGGCCAGATAGGTGC[C>T]CTCCTGAAAGGGTTGAACTGTAGGCAGCCAGAAGGTCCCATTTCCGGTCCATGGGCCCCA-3'
Protein context (NP_003181.3, residues 257-277): WLPTVQPFQE[Gly267Ser]TYLATIHLPY

ClinVar aggregate classification (germline): Uncertain significance (1 of 4 stars; one submission).

Conditions:
MHC class I deficiency. Identifiers: Orphanet 34592, MedGen C6024714, MONDO:0011476.

Allele frequency attached by ClinVar (database versions not stated): gnomAD 0.00001; gnomAD exomes below 0.00001.

Submission:

Labcorp Genetics (formerly Invitae), Labcorp
Classification: Uncertain significance for MHC class I deficiency 1. Last evaluated: 2025-07-25. Review status: criteria provided, single submitter. Criteria: Invitae Variant Classification Sherloc (09022015). Collection method: clinical testing. Allele origin: germline.
Comment: This sequence change replaces glycine, which is neutral and non-polar, with serine, which is neutral and polar, at codon 267 of the TAPBP protein (p.Gly267Ser). This variant is present in population databases (no rsID available, gnomAD 0.01%). This variant has not been reported in the literature in individuals affected with TAPBP-related conditions. ClinVar contains an entry for this variant (Variation ID: 1053048). An algorithm developed to predict the effect of missense changes on protein structure and function (PolyPhen-2) suggests that this variant is likely to be disruptive. In summary, the available evidence is currently insufficient to determine the role of this variant in disease. Therefore, it has been classified as a Variant of Uncertain Significance.